The following is an entry in ClinVar:

NM_004408.4(DNM1):c.959A>G (p.Asp320Gly)

Gene: DNM1 (dynamin 1; plus strand). Cytogenetic location: 9q34.11.
Variant type: single nucleotide variant.
Coding change: c.959A>G on transcript NM_004408.4 (MANE Select); coding-DNA position 959, A replaced by G.
Protein change: p.Asp320Gly; replaces aspartic acid 320 with glycine.
Molecular consequence: missense variant.
Genome position (GRCh38, 1-based): chr9:128,222,306, A>G. VCF-style: chr9-128222306-A-G. GRCh37 (hg19) VCF-style: chr9-130984585-A-G.
Other names: c.959A>G, p.Asp320Gly (NM_001005336.3, NM_001288737.2, NM_001288738.2 and 2 more transcripts); short protein forms D320G.
Identifiers: ClinVar variation 3669421 (VCV003669421.2).

ClinVar aggregate classification (germline): Uncertain significance (1 of 4 stars; one submission).

Conditions:
Developmental and epileptic encephalopathy, 31A. Also called: Developmental and epileptic encephalopathy, 31; Epileptic encephalopathy, early infantile, 31. Identifiers: Orphanet 2382, MedGen C4225357, MONDO:0014598, OMIM 616346.

Submission:

Labcorp Genetics (formerly Invitae), Labcorp
Classification: Uncertain significance for Developmental and epileptic encephalopathy, 31A. Last evaluated: 2025-01-08. Review status: criteria provided, single submitter. Criteria: Invitae Variant Classification Sherloc (09022015). Collection method: clinical testing. Allele origin: germline.
Comment: This sequence change replaces aspartic acid, which is acidic and polar, with glycine, which is neutral and non-polar, at codon 320 of the DNM1 protein (p.Asp320Gly). This variant is not present in population databases (gnomAD no frequency). This variant has not been reported in the literature in individuals affected with DNM1-related conditions. Invitae Evidence Modeling of protein sequence and biophysical properties (such as structural, functional, and spatial information, amino acid conservation, physicochemical variation, residue mobility, and thermodynamic stability) indicates that this missense variant is not expected to disrupt DNM1 protein function with a negative predictive value of 80%. In summary, the available evidence is currently insufficient to determine the role of this variant in disease. Therefore, it has been classified as a Variant of Uncertain Significance.